The following is an entry in ClinVar:

NM_182480.3(COQ6):c.88+62G>C

Gene: COQ6 (coenzyme Q6, monooxygenase; plus strand). Cytogenetic location: 14q24.3.
Variant type: single nucleotide variant.
Coding change: c.88+62G>C on transcript NM_182480.3; 62 bases into the intron after coding-DNA position 88, G replaced by C.
Molecular consequence: intron variant.
Genome position (GRCh38, 1-based): chr14:73,950,242, G>C. VCF-style: chr14-73950242-G-C. GRCh37 (hg19) VCF-style: chr14-74416945-G-C.
Other names: c.88+62G>C (NM_001425258.1); c.-4+62G>C (NM_001425259.1, NM_001425261.1).
Identifiers: ClinVar variation 1291437 (VCV001291437.7), dbSNP rs17552038, ClinGen allele CA7264020.

ClinVar aggregate classification (germline): Benign. Review status: criteria provided, multiple submitters, no conflicts (2 of 4 stars). 3 submissions from 3 submitters: Benign (3). Last evaluated 2024-07-15.

Allele frequency attached by ClinVar (database versions not stated): gnomAD 0.11370 and 0.11236; ExAC 0.14042; 1000 Genomes Project 30x 0.09806; TOPMed 0.11874; 1000 Genomes Project 0.09764; gnomAD exomes 0.15620.
gnomAD v4.1: 218,562 of 1,538,458 alleles (14%); highest among the groups gnomAD compares: Admixed American, 25%; 17,104 homozygotes.

Submissions (3):

Unidad de Genómica Garrahan, Hospital de Pediatría Garrahan
Classification: Benign. Last evaluated: 2024-07-15. Review status: criteria provided, single submitter. Criteria: ACMG Guidelines, 2015. Collection method: clinical testing. Allele origin: germline. Affected: no. Observed: 34 variant alleles.
Comment: This variant is classified as Benign based on local population frequency. This variant was detected in 37% of patients studied in a panel designed for Epileptic and Developmental Encephalopathy and Progressive Myoclonus Epilepsy. Number of patients: 34. Only high quality variants are reported.

GeneDx
Classification: Benign. Last evaluated: 2018-06-23. Review status: criteria provided, single submitter. Criteria: GeneDx Variant Classification Process June 2021. Collection method: clinical testing. Allele origin: germline. Affected: yes.

Breakthrough Genomics
Classification: Benign. Review status: criteria provided, single submitter. Criteria: ACMG Guidelines, 2015. Collection method: not provided. Allele origin: germline. Inheritance: Autosomal recessive inheritance. Affected: yes.